The following is an entry in ClinVar:

ClinVar aggregate classification (germline): Benign. Review status: criteria provided, multiple submitters, no conflicts (2 of 4 stars). 17 submissions from 15 submitters: Benign (11). 6 of the submissions do not count toward it. Last evaluated 2026-02-04.

Conditions:
Multiple epiphyseal dysplasia, Al-Gazali type. Also called: Macrocephaly with multiple epiphyseal dysplasia and distinctive facies. Identifiers: Orphanet 166024, MedGen C1846722, MONDO:0011778, OMIM 607131.
Hydrolethalus syndrome 2 (HLS2). Identifiers: Orphanet 2189, MedGen C3279899, MONDO:0013585, OMIM 614120.
Acrocallosal syndrome (ACLS). Also called: Schinzel syndrome 1; Absence of corpus callosum with unusual facial appearance, mental deficiency, duplication of the halluces and polydactyly; HALLUX DUPLICATION, POSTAXIAL POLYDACTYLY, AND ABSENCE OF CORPUS CALLOSUM. Identifiers: Orphanet 36, MedGen C0796147, MONDO:0008708, OMIM 200990.

Allele frequency attached by ClinVar (database versions not stated): gnomAD exomes 0.50017; ExAC 0.51282; ESP Exome Variant Server 0.53128; 1000 Genomes Project 0.43930; TOPMed 0.50496; gnomAD 0.52135 and 0.52523; 1000 Genomes Project 30x 0.44285.
gnomAD v4.1: 871,225 of 1,561,492 alleles (56%); highest among the groups gnomAD compares: Non-Finnish European, 58%; 246,566 homozygotes.

Submissions (17):

Labcorp Genetics (formerly Invitae), Labcorp
Classification: Benign for Acrocallosal syndrome. Last evaluated: 2026-02-04. Review status: criteria provided, single submitter. Criteria: Invitae Variant Classification Sherloc (09022015). Collection method: clinical testing. Allele origin: germline.

Blueprint Genetics
Classification: Benign. Last evaluated: 2024-11-28. Review status: criteria provided, single submitter. Criteria: ACMG Guidelines, 2015. Collection method: clinical testing. Allele origin: germline.

Mayo Clinic Laboratories, Mayo Clinic
Classification: Benign. Last evaluated: 2022-03-09. Review status: criteria provided, single submitter. Criteria: ACMG Guidelines, 2015. Collection method: clinical testing. Allele origin: germline. Observed: 53 variant alleles.

Genome-Nilou Lab
Classification: Benign for Multiple epiphyseal dysplasia, Al-Gazali type. Last evaluated: 2021-08-19. Review status: criteria provided, single submitter. Criteria: ACMG Guidelines, 2015. Collection method: clinical testing. Allele origin: germline. Affected: no.

Genome-Nilou Lab
Classification: Benign for Hydrolethalus syndrome 2. Last evaluated: 2021-08-19. Review status: criteria provided, single submitter. Criteria: ACMG Guidelines, 2015. Collection method: clinical testing. Allele origin: germline. Affected: no.

Genome-Nilou Lab
Classification: Benign for Acrocallosal syndrome. Last evaluated: 2021-08-19. Review status: criteria provided, single submitter. Criteria: ACMG Guidelines, 2015. Collection method: clinical testing. Allele origin: germline. Affected: no.

Illumina Laboratory Services, Illumina
Classification: Benign for Acrocallosal syndrome. Last evaluated: 2018-01-13. Review status: criteria provided, single submitter. Criteria: ICSL Variant Classification Criteria 13 December 2019. Collection method: clinical testing. Allele origin: germline.
Comment: This variant was observed in the ICSL laboratory as part of a predisposition screen in an ostensibly healthy population. It had not been previously curated by ICSL or reported in the Human Gene Mutation Database (HGMD: prior to June 1st, 2018), and was therefore a candidate for classification through an automated scoring system. Utilizing variant allele frequency, disease prevalence and penetrance estimates, and inheritance mode, an automated score was calculated to assess if this variant is too frequent to cause the disease. Based on the score and internal cut-off values, a variant classified as benign is not then subjected to further curation. The score for this variant resulted in a classification of benign for this disease.

GeneDx
Classification: Benign. Last evaluated: 2015-03-03. Review status: criteria provided, single submitter. Criteria: GeneDx Variant Classification Process June 2021. Collection method: clinical testing. Allele origin: germline. Affected: yes.

Eurofins Ntd Llc (ga)
Classification: Benign. Last evaluated: 2014-11-14. Review status: criteria provided, single submitter. Criteria: EGL Classification Definitions 2015. Collection method: clinical testing. Allele origin: germline. Observed: 2 variant alleles, 1 heterozygote, 1 homozygote.

Breakthrough Genomics
Classification: Benign. Review status: criteria provided, single submitter. Criteria: ACMG Guidelines, 2015. Collection method: not provided. Allele origin: germline. Inheritance: Autosomal recessive inheritance. Affected: yes.

PreventionGenetics, part of Exact Sciences
Classification: Benign. Review status: criteria provided, single submitter. Criteria: ACMG Guidelines, 2015. Collection method: clinical testing. Allele origin: germline.

Clinical Genetics DNA and cytogenetics Diagnostics Lab, Erasmus MC, Erasmus Medical Center
Classification: Benign. Review status: no assertion criteria provided. Collection method: clinical testing. Allele origin: germline. Affected: yes. Study: VKGL Data-share Consensus. Not counted in ClinVar's aggregate classification.

Clinical Genetics, Academic Medical Center
Classification: Benign. Review status: no assertion criteria provided. Collection method: clinical testing. Allele origin: germline. Affected: yes. Study: VKGL Data-share Consensus. Not counted in ClinVar's aggregate classification.

Diagnostic Laboratory, Department of Genetics, University Medical Center Groningen
Classification: Benign. Review status: no assertion criteria provided. Collection method: clinical testing. Allele origin: germline. Affected: yes. Study: VKGL Data-share Consensus. Not counted in ClinVar's aggregate classification.

Genetic Services Laboratory, University of Chicago
Classification: Likely benign for AllHighlyPenetrant. Review status: no assertion criteria provided. Collection method: clinical testing. Allele origin: germline. Inheritance: Autosomal recessive inheritance. Not counted in ClinVar's aggregate classification.
Comment: Likely benign based on allele frequency in 1000 Genomes Project or ESP global frequency and its presence in a patient with a rare or unrelated disease phenotype. NOT Sanger confirmed.

Genome Diagnostics Laboratory, University Medical Center Utrecht
Classification: Benign. Review status: no assertion criteria provided. Collection method: clinical testing. Allele origin: germline. Affected: yes. Study: VKGL Data-share Consensus. Not counted in ClinVar's aggregate classification.

Joint Genome Diagnostic Labs from Nijmegen and Maastricht, Radboudumc and MUMC+
Classification: Benign. Review status: no assertion criteria provided. Collection method: clinical testing. Allele origin: germline. Affected: yes. Study: VKGL Data-share Consensus. Not counted in ClinVar's aggregate classification.

NM_198525.3(KIF7):c.3013G>A (p.Gly1005Arg)

Gene: KIF7 (kinesin family member 7; minus strand). Cytogenetic location: 15q26.1.
Variant type: single nucleotide variant.
Coding change: c.3013G>A on transcript NM_198525.3 (MANE Select); coding-DNA position 3013, G replaced by A.
Protein change: p.Gly1005Arg; replaces glycine 1005 with arginine.
Molecular consequence: missense variant.
Genome position (GRCh38, 1-based): chr15:89,631,593, C>T on the plus strand (G>A on the coding strand, the complement: KIF7 is on the minus strand). VCF-style: chr15-89631593-C-T. GRCh37 (hg19) VCF-style: chr15-90174824-C-T.
Other names: short protein forms G1005R.
Identifiers: ClinVar variation 96653 (VCV000096653.32), dbSNP rs12900805, ClinGen allele CA020329.